The following is an entry in ClinVar:

ClinVar aggregate classification (germline): Pathogenic/Likely pathogenic. Review status: criteria provided, multiple submitters, no conflicts (2 of 4 stars). 19 submissions from 19 submitters: Pathogenic (16); Likely pathogenic (3). Last evaluated 2026-08-06.

Conditions:
Mitochondrial complex I deficiency, nuclear type 19. Also called: Mitochondrial complex 1 deficiency, nuclear type 19. Identifiers: MedGen C4748791, MONDO:0032624, OMIM 618241.
Mitochondrial complex I deficiency. Also called: NADH:Q(1) OXIDOREDUCTASE DEFICIENCY. Identifiers: Orphanet 2609, MedGen C1838979, MeSH C537475, MONDO:0100133.
FOXRED1-related disorder. Also called: FOXRED1-related condition.
FOXRED1-related disorders.
Inborn genetic diseases. Identifiers: MedGen C0950123, MeSH D030342.
Mitochondrial disease. Also called: Mitochondrial disorder; Mitochondrial disorders. Identifiers: Orphanet 68380, MedGen C0751651, MeSH D028361, MONDO:0044970.
Leigh syndrome (NULS). Also called: LEIGH SYNDROME, NUCLEAR; Leigh's syndrome; Leigh's necrotizing encephalopathy; Leigh's disease; Leigh Syndrome (mtDNA deletion); Leigh Disease. Identifiers: Orphanet 506, MedGen C2931891, MONDO:0009723, OMIM 256000.

Submissions 1 to 16 of 19:

GeneDx
Classification: Pathogenic. Last evaluated: 2026-08-06. Review status: criteria provided, single submitter. Criteria: GeneDx Variant Classification Process June 2021. Collection method: clinical testing. Allele origin: germline.
Comment: Frameshift variant predicted to result in protein truncation or nonsense mediated decay in a gene for which loss of function is a known mechanism of disease; This variant is associated with the following publications: (PMID: 22200994, 30956948, 31589614, 33613441, 30723688, 31065540, 37846277, 39949058)

OLLIN Analises Genomicas, OLLIN
Classification: Pathogenic for Mitochondrial complex I deficiency, nuclear type 19. Last evaluated: 2026-08-06. Review status: criteria provided, single submitter. Criteria: ACMG Guidelines 2015 PMID 25741868. Collection method: clinical testing. Allele origin: germline. Inheritance: Autosomal recessive inheritance.
Comment: This frameshift variant, located in exon 5 (of 11), has been reported in ClinVar (accession VCV000095754.84), in gnomAD with an allele frequency of 0.031%, and in the scientific literature, in compound heterozygosity, in individuals with FOXRED1 related disorders (PMID: 22200994, 30723688, 31065540). This variant causes a frameshift and introduces a premature stop codon, which is predicted to result in either a truncated protein or degradation of the mRNA via nonsense-mediated decay (NMD). According to the currently available evidence, this variant has been classified as pathogenic (PVS1, PM2_P, PM3_S).

Labcorp Genetics (formerly Invitae), Labcorp
Classification: Pathogenic. Last evaluated: 2026-01-26. Review status: criteria provided, single submitter. Criteria: Invitae Variant Classification Sherloc (09022015). Collection method: clinical testing. Allele origin: germline.
Comment: This sequence change creates a premature translational stop signal (p.Ala206Serfs*15) in the FOXRED1 gene. It is expected to result in an absent or disrupted protein product. Loss-of-function variants in FOXRED1 are known to be pathogenic (PMID: 20818383, 20858599). This variant is present in population databases (rs765593341, gnomAD 0.07%). This premature translational stop signal has been observed in individuals with mitochondrial complex I deficiency (PMID: 22200994, 31065540). ClinVar contains an entry for this variant (Variation ID: 95754). For these reasons, this variant has been classified as Pathogenic.

PreventionGenetics, part of Exact Sciences
Classification: Likely pathogenic for FOXRED1-related condition. Last evaluated: 2025-12-03. Review status: criteria provided, single submitter. Criteria: ACMG Guidelines, 2015. Collection method: clinical testing. Allele origin: germline.
Comment: The FOXRED1 c.612_615dupAGTG variant is predicted to result in a frameshift and premature protein termination (p.Ala206Serfs*15). This variant has been reported in the compound heterozygous state in a patient with mitochondrial complex I deficiency, nuclear type 19 (Haack et al. 2012. PubMed ID: 22200994; Apatean et al. 2019. PubMed ID: 30723688). This variant is reported in 0.077% of alleles in individuals of Ashkenazi Jewish descent in gnomAD. Other truncating variants in this gene have also been reported to be causative for mitochondrial complex I deficiency (HGMD database; Calvo et al. 2010. PubMed ID: 20818383). This variant is interpreted as likely pathogenic.

Greenwood Genetic Center Diagnostic Laboratories, Greenwood Genetic Center
Classification: Pathogenic for Mitochondrial complex I deficiency, nuclear type 19. Last evaluated: 2025-03-25. Review status: criteria provided, single submitter. Criteria: ACMG Guidelines, 2015. Collection method: clinical testing. Allele origin: germline. Affected: yes.
Comment: PVS1, PM2, PM3

Variantyx, Inc.
Classification: Pathogenic for Mitochondrial complex I deficiency, nuclear type 19. Last evaluated: 2025-03-25. Review status: criteria provided, single submitter. Criteria: Variantyx Assertion Criteria 2022. Collection method: clinical testing. Allele origin: germline. Inheritance: Autosomal recessive inheritance.
Comment: This is a frameshift variant in the FOXRED1 gene (OMIM: 613622). Pathogenic variants in this gene have been associated with autosomal recessive mitochondrial complex I deficiency, nuclear type 19. The variant creates a frameshift resulting in the termination of translation in exon 6 of 11 resulting in a severely truncated protein that is expected to result in loss of function by premature protein truncation or nonsense-mediated mRNA decay. Loss of function is a known disease mechanism for FOXRED1 in this disorder (PMID:20818383) (PVS1). This variant has a 0.0378% (< 0.1%) maximum allele frequency in non-founder control populations (PM2). This alteration has been detected with another mutation in patients with FOXRED1-related mitochondrial complex I deficiency (PMID: 22200994, 30723688, 29142257) (PM3). Based on this evidence, the variant is classified as pathogenic for autosomal recessive mitochondrial complex I deficiency, nuclear type 19.

Blueprint Genetics
Classification: Pathogenic for FOXRED1-related disorders. Last evaluated: 2024-10-30. Review status: criteria provided, single submitter. Criteria: ACMG Guidelines, 2015. Collection method: clinical testing. Allele origin: germline. Affected: yes. Observed: 5 variant alleles.

Fulgent Genetics
Classification: Pathogenic for Mitochondrial complex I deficiency, nuclear type 19. Last evaluated: 2024-02-20. Review status: criteria provided, single submitter. Criteria: ACMG Guidelines, 2015. Collection method: clinical testing. Allele origin: germline.

Revvity Omics, Revvity
Classification: Pathogenic for Mitochondrial complex I deficiency, nuclear type 19. Last evaluated: 2023-04-24. Review status: criteria provided, single submitter. Criteria: ACMG Guidelines, 2015. Collection method: clinical testing. Allele origin: germline.

MGZ Medical Genetics Center
Classification: Pathogenic for Mitochondrial complex I deficiency, nuclear type 19. Last evaluated: 2022-04-20. Review status: criteria provided, single submitter. Criteria: ACMG Guidelines, 2015. Collection method: clinical testing. Allele origin: germline. Affected: yes. Observed: 1 variant allele.
Comment: ACMG criteria applied: PVS1, PM3_STR, PS4_MOD

Ambry Genetics
Classification: Pathogenic for Inborn genetic diseases. Last evaluated: 2022-01-25. Review status: criteria provided, single submitter. Criteria: Ambry Variant Classification Scheme 2023. Collection method: clinical testing. Allele origin: germline.
Comment: The c.612_615dupAGTG (p.A206Sfs*15) alteration, located in exon 5 (coding exon 5) of the FOXRED1 gene, consists of a duplication of AGTG at position 612, causing a translational frameshift with a predicted alternate stop codon after 15 amino acids. This alteration is expected to result in loss of function by premature protein truncation or nonsense-mediated mRNA decay. This alteration has been detected with another mutation in patients with FOXRED1-related mitochondrial complex I deficiency (Ahmed, 2017; Apatean, 2019; Haack, 2012). Based on the available evidence, this alteration is classified as pathogenic.

New York Genome Center
Classification: Pathogenic for Mitochondrial complex I deficiency, nuclear type 19. Last evaluated: 2021-05-07. Review status: criteria provided, single submitter. Criteria: NYGC Assertion Criteria 2020. Collection method: clinical testing. Allele origin: inherited, germline. Observed: 2 heterozygotes. Clinical features observed: Seizure (HP:0001250), Autistic behavior (HP:0000729), Asthma (HP:0002099), Hypoplastic hippocampus (HP:0025517), Strabismus (HP:0000486), Intellectual disability (HP:0001249), Autism (HP:0000717). Study: CSER-NYCKidSeq.

Institute of Medical Genetics and Applied Genomics, University Hospital Tübingen
Classification: Pathogenic. Last evaluated: 2020-10-23. Review status: criteria provided, single submitter. Criteria: ACMG Guidelines, 2015. Collection method: clinical testing. Allele origin: germline. Inheritance: Autosomal recessive inheritance. Affected: yes.

Department of Pathology and Laboratory Medicine, Sinai Health System
Classification: Pathogenic for mitochondrial disease. Last evaluated: 2020-01-31. Review status: criteria provided, single submitter. Criteria: ACMG Guidelines, 2015. Collection method: research. Allele origin: germline.

Centre for Mendelian Genomics, University Medical Centre Ljubljana
Classification: Pathogenic for Mitochondrial complex I deficiency, nuclear type 19. Last evaluated: 2019-01-16. Review status: criteria provided, single submitter. Criteria: ACMG Guidelines, 2015. Collection method: clinical testing. Allele origin: unknown. Affected: yes.
Comment: This variant was classified as: Pathogenic. The following ACMG criteria were applied in classifying this variant: PVS1,PM2,PP5.

CeGaT Center for Human Genetics Tuebingen
Classification: Pathogenic. Last evaluated: 2017-02-01. Review status: criteria provided, single submitter. Criteria: CeGaT Center For Human Genetics Tuebingen Variant Classification Criteria Version 2. Collection method: clinical testing. Allele origin: germline. Affected: yes. Observed: 1 variant allele.

NM_017547.4(FOXRED1):c.612_615dup (p.Ala206fs)

Gene: FOXRED1 (FAD dependent oxidoreductase domain containing 1; plus strand). Cytogenetic location: 11q24.2.
Variant type: Duplication.
Coding change: c.612_615dup on transcript NM_017547.4 (MANE Select); coding-DNA positions 612 to 615, 4 bases duplicated (AGTG; older notation c.612_615dupAGTG).
Protein change: p.Ala206fs; shifts the reading frame from alanine 206.
Molecular consequence: frameshift variant. On other transcripts: non-coding transcript variant (2).
Genome position (GRCh38, 1-based): chr11:126,275,002-126,275,005, AGTG duplicated; duplicating any 4 consecutive bases within chr11:126,275,001-126,275,005 gives the same sequence; the c. name uses the placement nearest the transcript's 3' end. VCF-style (leftmost placement, unchanged base first): chr11-126275000-G-GGAGT. GRCh37 (hg19) VCF-style: chr11-126144895-G-GGAGT.
Other names: c.611_614dupGAGT (NM_017547.3); c.612_615dup (NM_017547.3); c.610_611insGAGT (NM_017547.4); short protein forms A206fs.
Identifiers: ClinVar variation 95754 (VCV000095754.89), dbSNP rs398124308, ClinGen allele CA204560.